The following is an entry in ClinVar:

ClinVar aggregate classification (germline): Uncertain significance. Review status: criteria provided, multiple submitters, no conflicts (2 of 4 stars). 2 submissions from 2 submitters: Uncertain significance (2). Last evaluated 2026-01-20.

Conditions:
Emery-Dreifuss muscular dystrophy 5, autosomal dominant (EDMD5). Also called: EMERY-DREIFUSS MUSCULAR DYSTROPHY 5. Identifiers: Orphanet 261, MedGen C2751805, MONDO:0013072, OMIM 612999.

Allele frequency attached by ClinVar (database versions not stated): ExAC 0.00004; gnomAD 0.00005; gnomAD exomes 0.00005; TOPMed 0.00005.
gnomAD v4.1: 85 of 1,613,946 alleles (0.0053%); highest among the groups gnomAD compares: Middle Eastern, 0.082%; 1 homozygote.

Submissions (2):

Labcorp Genetics (formerly Invitae), Labcorp
Classification: Uncertain significance for Emery-Dreifuss muscular dystrophy 5, autosomal dominant. Last evaluated: 2026-01-20. Review status: criteria provided, single submitter. Criteria: Invitae Variant Classification Sherloc (09022015). Collection method: clinical testing. Allele origin: germline.
Comment: This sequence change replaces valine, which is neutral and non-polar, with isoleucine, which is neutral and non-polar, at codon 4475 of the SYNE2 protein (p.Val4475Ile). This variant is present in population databases (rs200498250, gnomAD 0.01%). This variant has not been reported in the literature in individuals affected with SYNE2-related conditions. ClinVar contains an entry for this variant (Variation ID: 470928). An algorithm developed to predict the effect of missense changes on protein structure and function outputs the following: PolyPhen-2: "Benign". The isoleucine amino acid residue is found in multiple mammalian species, which suggests that this missense change does not adversely affect protein function. In summary, the available evidence is currently insufficient to determine the role of this variant in disease. Therefore, it has been classified as a Variant of Uncertain Significance.

Ambry Genetics
Classification: Uncertain significance. Last evaluated: 2025-08-30. Review status: criteria provided, single submitter. Criteria: Ambry Variant Classification Scheme 2023. Collection method: clinical testing. Allele origin: germline.

NM_182914.3(SYNE2):c.13423G>A (p.Val4475Ile)

Gene: SYNE2 (spectrin repeat containing nuclear envelope protein 2; plus strand). Cytogenetic location: 14q23.2.
Variant type: single nucleotide variant.
Coding change: c.13423G>A on transcript NM_182914.3 (MANE Select); coding-DNA position 13423, G replaced by A.
Protein change: p.Val4475Ile; replaces valine 4475 with isoleucine.
Molecular consequence: missense variant.
Genome position (GRCh38, 1-based): chr14:64,125,079, G>A. VCF-style: chr14-64125079-G-A. GRCh37 (hg19) VCF-style: chr14-64591797-G-A.
Other names: c.13423G>A, p.Val4475Ile (NM_015180.6); short protein forms V4475I.
Identifiers: ClinVar variation 470928 (VCV000470928.10), dbSNP rs200498250, ClinGen allele CA7222447.
Genomic context (GRCh38, chr14:64,125,079, plus strand): 5'-ATTAATTAACATCAGCAGGGTCTAAAACTGTCAGTAATAGGGTTTTCCTTTGTCAAATAG[G>A]TTTCCACAAATATGGGTATTCTACCCAGCGTGACTATGTATAACTTTAGATACCCAACAA-3'
Protein context (NP_878918.2, residues 4465-4485): LPLPQLVEPQ[Val4475Ile]STNMGILPSV